The following is an entry in ClinVar:

NM_001376.5(DYNC1H1):c.5053A>G (p.Met1685Val)

Gene: DYNC1H1 (dynein cytoplasmic 1 heavy chain 1; plus strand). Cytogenetic location: 14q32.31.
Variant type: single nucleotide variant.
Coding change: c.5053A>G on transcript NM_001376.5 (MANE Select); coding-DNA position 5053, A replaced by G.
Protein change: p.Met1685Val; replaces methionine 1685 with valine.
Molecular consequence: missense variant.
Genome position (GRCh38, 1-based): chr14:102,004,765, A>G. VCF-style: chr14-102004765-A-G. GRCh37 (hg19) VCF-style: chr14-102471102-A-G.
Other names: short protein forms M1685V.
Identifiers: ClinVar variation 539763 (VCV000539763.8), dbSNP rs1555409556, ClinGen allele CA391045269.
Genomic context (GRCh38, chr14:102,004,765, plus strand): 5'-TTAAAACTTCTCTCACATTTTTGCATACCTCATTTCTTAAAATTGTATTTATTTCAGGTT[A>G]TGTTTAAAACTCCTGTGTCAATTACTGAACATCCCAAAATCAATGAGTGGCTCACATTGG-3'
Protein context (NP_001367.2, residues 1675-1695): GISSREGEEV[Met1685Val]FKTPVSITEH

ClinVar aggregate classification (germline): Uncertain significance (1 of 4 stars; one submission).

Conditions:
Charcot-Marie-Tooth disease axonal type 2O. Also called: CHARCOT-MARIE-TOOTH NEUROPATHY, AXONAL, TYPE 2O; CHARCOT-MARIE-TOOTH DISEASE, AXONAL, AUTOSOMAL DOMINANT, TYPE 2O; Charcot-Marie-Tooth Neuropathy Type 2O; Charcot-Marie-Tooth disease, axonal, type 20. Identifiers: Orphanet 284232, MedGen C3280220, MONDO:0013644, OMIM 614228.

Allele frequency attached by ClinVar (database versions not stated): gnomAD exomes below 0.00001; TOPMed below 0.00001.

Submission:

Labcorp Genetics (formerly Invitae), Labcorp
Classification: Uncertain significance for Charcot-Marie-Tooth disease axonal type 2O. Last evaluated: 2024-05-08. Review status: criteria provided, single submitter. Criteria: Invitae Variant Classification Sherloc (09022015). Collection method: clinical testing. Allele origin: germline.
Comment: This sequence change replaces methionine, which is neutral and non-polar, with valine, which is neutral and non-polar, at codon 1685 of the DYNC1H1 protein (p.Met1685Val). This variant is not present in population databases (gnomAD no frequency). This variant has not been reported in the literature in individuals affected with DYNC1H1-related conditions. ClinVar contains an entry for this variant (Variation ID: 539763). Advanced modeling of protein sequence and biophysical properties (such as structural, functional, and spatial information, amino acid conservation, physicochemical variation, residue mobility, and thermodynamic stability) performed at Invitae indicates that this missense variant is not expected to disrupt DYNC1H1 protein function with a negative predictive value of 95%. In summary, the available evidence is currently insufficient to determine the role of this variant in disease. Therefore, it has been classified as a Variant of Uncertain Significance.